The following is an entry in ClinVar:

NC_000003.11:g.(?_176743286)_(176782765_?)dup

Gene: TBL1XR1 (TBL1X/Y related 1; minus strand). Cytogenetic location: 3q26.32.
Variant type: Duplication.
Identifiers: ClinVar variation 1447421 (VCV001447421.3).

ClinVar aggregate classification (germline): Uncertain significance (1 of 4 stars; one submission).

Conditions:
Pierpont syndrome (PRPTS). Identifiers: Orphanet 487825, MedGen C1865644, MONDO:0011213, OMIM 602342.

Submission:

Labcorp Genetics (formerly Invitae), Labcorp
Classification: Uncertain significance for Pierpont syndrome. Last evaluated: 2023-12-28. Review status: criteria provided, single submitter. Criteria: Invitae Variant Classification Sherloc (09022015). Collection method: clinical testing. Allele origin: germline.
Comment: A copy number gain of the genomic region encompassing the full coding sequence of the TBL1XR1 gene has been identified. The boundaries of this event are unknown as they extend beyond the assayed region for this gene and therefore may encompass additional genes. As the precise location of this event is unknown, it may be in tandem or it may be located elsewhere in the genome. A similar copy number variant has been observed in individual(s) with syndromic intellectual disability (PMID: 28574232). It has also been observed to segregate with disease in related individuals. In summary, the available evidence is currently insufficient to determine the role of this variant in disease. Therefore, it has been classified as a Variant of Uncertain Significance.

Literature cited by the submitters: PubMed 28574232.